The following is an entry in ClinVar:

ClinVar aggregate classification (germline): Uncertain significance (1 of 4 stars; one submission).

gnomAD v4.1: 1 of 1,589,414 alleles (0.000063%); highest among the groups gnomAD compares: Non-Finnish European, 0.000086%; no homozygotes.

Submission:

Labcorp Genetics (formerly Invitae), Labcorp
Classification: Uncertain significance. Last evaluated: 2024-09-11. Review status: criteria provided, single submitter. Criteria: Invitae Variant Classification Sherloc (09022015). Collection method: clinical testing. Allele origin: germline.
Comment: This sequence change replaces proline, which is neutral and non-polar, with leucine, which is neutral and non-polar, at codon 424 of the DNA2 protein (p.Pro424Leu). This variant is not present in population databases (gnomAD no frequency). This variant has not been reported in the literature in individuals affected with DNA2-related conditions. Invitae Evidence Modeling of protein sequence and biophysical properties (such as structural, functional, and spatial information, amino acid conservation, physicochemical variation, residue mobility, and thermodynamic stability) indicates that this missense variant is not expected to disrupt DNA2 protein function with a negative predictive value of 80%. In summary, the available evidence is currently insufficient to determine the role of this variant in disease. Therefore, it has been classified as a Variant of Uncertain Significance.

NM_001080449.3(DNA2):c.1271C>T (p.Pro424Leu)

Gene: DNA2 (DNA replication helicase/nuclease 2; minus strand). Cytogenetic location: 10q21.3.
Variant type: single nucleotide variant.
Coding change: c.1271C>T on transcript NM_001080449.3 (MANE Select); coding-DNA position 1271, C replaced by T.
Protein change: p.Pro424Leu; replaces proline 424 with leucine.
Molecular consequence: missense variant. On other transcripts: non-coding transcript variant (1).
Genome position (GRCh38, 1-based): chr10:68,443,061, G>A on the plus strand (C>T on the coding strand, the complement: DNA2 is on the minus strand). VCF-style: chr10-68443061-G-A. GRCh37 (hg19) VCF-style: chr10-70202818-G-A.
Other names: short protein forms P424L.
Identifiers: ClinVar variation 3619944 (VCV003619944.2).
Genomic context (GRCh38, chr10:68,443,061, plus strand): 5'-CAAAGGCTGAAATATTCTAAGTGTGTTTGCTTCAGATGCTGGGTTTCTTCTTCTATTTTG[G>A]GCAGCATCACAATTGGGACTGAACTACAATCCATCTGTTGTTCAACTGCTCTAAATATAA-3'
Protein context (NP_001073918.2, residues 414-434): DCSSVPIVML[Pro424Leu]KIEEETQHLK